The following is an entry in ClinVar:

ClinVar aggregate classification (germline): Uncertain significance (1 of 4 stars; one submission).

Submission:

Labcorp Genetics (formerly Invitae), Labcorp
Classification: Uncertain significance. Last evaluated: 2022-08-21. Review status: criteria provided, single submitter. Criteria: Invitae Variant Classification Sherloc (09022015). Collection method: clinical testing. Allele origin: germline.
Comment: This variant is not present in population databases (gnomAD no frequency). This variant has not been reported in the literature in individuals affected with TBX6-related conditions. In summary, the available evidence is currently insufficient to determine the role of this variant in disease. Therefore, it has been classified as a Variant of Uncertain Significance. This sequence change creates a premature translational stop signal (p.Glu332Glyfs*16) in the TBX6 gene. It is expected to result in an absent or disrupted protein product. However, the current clinical and genetic evidence is not sufficient to establish whether loss-of-function variants in TBX6 cause disease.

NM_004608.4(TBX6):c.994dup (p.Glu332fs)

Gene: TBX6 (T-box transcription factor 6; minus strand). Cytogenetic location: 16p11.2.
Variant type: Duplication.
Coding change: c.994dup on transcript NM_004608.4 (MANE Select); coding-DNA position 994, one base duplicated (G; older notation c.994dupG).
Protein change: p.Glu332fs; shifts the reading frame from glutamic acid 332.
Molecular consequence: frameshift variant.
Genome position (GRCh38, 1-based): chr16:30,086,615, C duplicated on the plus strand (G on the coding strand, the reverse complement: TBX6 is on the minus strand); the first of 4 consecutive C bases (chr16:30,086,615-30,086,618); duplicating any one gives the same sequence. VCF-style (leftmost placement, unchanged base first): chr16-30086614-T-TC. GRCh37 (hg19) VCF-style: chr16-30097935-T-TC.
Other names: short protein forms E332fs.
Identifiers: ClinVar variation 2025491 (VCV002025491.4), dbSNP rs2543660546, ClinGen allele CA2580091454.